The following is an entry in ClinVar:

ClinVar aggregate classification (germline): Pathogenic. Review status: criteria provided, multiple submitters, no conflicts (2 of 4 stars). 2 submissions from 2 submitters: Pathogenic (2). Last evaluated 2025-04-08.

Conditions:
Neurofibromatosis, type 1 (NF1). Also called: VON RECKLINGHAUSEN DISEASE; NEUROFIBROMATOSIS, TYPE I, SOMATIC; Peripheral type neurofibromatosis; Neurofibromatosis, type I. Identifiers: Orphanet 636, MedGen C0027831, MONDO:0018975, OMIM 162200. Disease mechanism: loss of function.

Submissions (2):

Mayo Clinic Laboratories, Mayo Clinic
Classification: Pathogenic. Last evaluated: 2025-04-08. Review status: criteria provided, single submitter. Criteria: ACMG Guidelines, 2015. Collection method: clinical testing. Allele origin: germline. Observed: 1 variant allele.
Comment: PP4, PM2_supporting, PVS1

Labcorp Genetics (formerly Invitae), Labcorp
Classification: Pathogenic for Neurofibromatosis, type 1. Last evaluated: 2022-05-05. Review status: criteria provided, single submitter. Criteria: Invitae Variant Classification Sherloc (09022015). Collection method: clinical testing. Allele origin: germline.
Comment: This variant is not present in population databases (gnomAD no frequency). This sequence change creates a premature translational stop signal (p.Glu595*) in the NF1 gene. It is expected to result in an absent or disrupted protein product. Loss-of-function variants in NF1 are known to be pathogenic (PMID: 10712197, 23913538). This premature translational stop signal has been observed in individual(s) with neurofibromatosis type 1 (PMID: 23913538). For these reasons, this variant has been classified as Pathogenic. Algorithms developed to predict the effect of sequence changes on RNA splicing suggest that this variant may disrupt the consensus splice site. ClinVar contains an entry for this variant (Variation ID: 655568).

Literature cited by the submitters: PubMed 23913538 (cited by Mayo Clinic Laboratories, Mayo Clinic and Labcorp Genetics (formerly Invitae), Labcorp); PubMed 10712197 (cited by Labcorp Genetics (formerly Invitae), Labcorp).

NM_001042492.3(NF1):c.1783G>T (p.Glu595Ter)

Gene: NF1 (neurofibromin 1; plus strand). Cytogenetic location: 17q11.2.
Variant type: single nucleotide variant.
Coding change: c.1783G>T on transcript NM_001042492.3 (MANE Select); coding-DNA position 1783, G replaced by T.
Protein change: p.Glu595Ter; replaces glutamic acid 595 with a stop codon.
Molecular consequence: nonsense.
Genome position (GRCh38, 1-based): chr17:31,223,505, G>T. VCF-style: chr17-31223505-G-T. GRCh37 (hg19) VCF-style: chr17-29550523-G-T.
Other names: p.Glu595*; c.1783G>T, p.Glu595Ter (NM_000267.4); short protein forms E595*.
Identifiers: ClinVar variation 655568 (VCV000655568.8), dbSNP rs1597708728, ClinGen allele CA399004314.